The following is an entry in ClinVar:

NM_003079.5(SMARCE1):c.1073AAG[1] (p.Glu359del)

Gene: SMARCE1 (SWI/SNF related BAF chromatin remodeling complex subunit E1; minus strand). Cytogenetic location: 17q21.2.
Variant type: Microsatellite.
Coding change: c.1073AAG[1] on transcript NM_003079.5 (MANE Select); one copy of the 3-base unit AAG starting at c.1073; the reference has two copies in a row; one copy, 3 bases deleted; also written c.1076_1078del.
Protein change: p.Glu359del; deletes glutamic acid 359.
Molecular consequence: inframe deletion.
Genome position (GRCh38, 1-based): chr17:40,628,943-40,628,945, CTT deleted on the plus strand (AAG on the coding strand, the reverse complement: SMARCE1 is on the minus strand); deleting any 3 consecutive bases within chr17:40,628,943-40,628,949 gives the same sequence; the position shown is the placement nearest the transcript's 3' end. VCF-style (leftmost placement, unchanged base first): chr17-40628942-CCTT-C. GRCh37 (hg19) VCF-style: chr17-38785194-CCTT-C.
Other names: c.1076_1078del (NM_003079.4, NM_003079.5); short protein forms E359del.
Identifiers: ClinVar variation 407076 (VCV000407076.20), dbSNP rs765354113, ClinGen allele CA8545070.

ClinVar aggregate classification (germline): Conflicting classifications of pathogenicity. Review status: criteria provided, conflicting classifications (1 of 4 stars). 5 submissions from 5 submitters: Uncertain significance (4); Likely benign (1). Last evaluated 2026-01-26.

Conditions:
SMARCE1-related disorder. Also called: SMARCE1-related condition.
Hereditary cancer-predisposing syndrome. Also called: Neoplastic Syndromes, Hereditary; Tumor predisposition; Hereditary Cancer Syndrome; Hereditary neoplastic syndrome. Identifiers: Orphanet 140162, MedGen C0027672, MeSH D009386, MONDO:0015356.
Familial meningioma. Also called: Meningioma, familial, susceptibility to. Identifiers: Orphanet 263662, MedGen C3551915, MONDO:0011789, OMIM 607174.

Submissions (5):

Labcorp Genetics (formerly Invitae), Labcorp
Classification: Uncertain significance for Familial meningioma. Last evaluated: 2026-01-26. Review status: criteria provided, single submitter. Criteria: Invitae Variant Classification Sherloc (09022015). Collection method: clinical testing. Allele origin: germline.
Comment: This variant, c.1076_1078del, results in the deletion of 1 amino acid(s) of the SMARCE1 protein (p.Glu359del), but otherwise preserves the integrity of the reading frame. This variant is present in population databases (rs765354113, gnomAD 0.006%). This variant has been observed in individual(s) with SMARCE1-related conditions (PMID: 37500730). ClinVar contains an entry for this variant (Variation ID: 407076). Experimental studies and prediction algorithms are not available or were not evaluated, and the functional significance of this variant is currently unknown. In summary, the available evidence is currently insufficient to determine the role of this variant in disease. Therefore, it has been classified as a Variant of Uncertain Significance.

PreventionGenetics, part of Exact Sciences
Classification: Uncertain significance for SMARCE1-related condition. Last evaluated: 2025-01-14. Review status: criteria provided, single submitter. Criteria: ACMG Guidelines, 2015. Collection method: clinical testing. Allele origin: germline.
Comment: The SMARCE1 c.1076_1078delAAG variant is predicted to result in an in-frame deletion (p.Glu359del). This variant has been reported in the patients with neurodevelopmental disorders (Table S1 in Valencia et al. 2023. PubMed ID: 37500730). This variant is reported in 0.0070% of alleles in individuals of European (Non-Finnish) descent in gnomAD. At this time, the clinical significance of this variant is uncertain due to the absence of conclusive functional and genetic evidence.

Baylor Genetics
Classification: Uncertain significance for Familial meningioma. Last evaluated: 2024-02-24. Review status: criteria provided, single submitter. Criteria: ACMG Guidelines, 2015. Collection method: clinical testing. Allele origin: unknown.

GeneDx
Classification: Uncertain significance. Last evaluated: 2023-09-15. Review status: criteria provided, single submitter. Criteria: GeneDx Variant Classification Process June 2021. Collection method: clinical testing. Allele origin: germline. Affected: yes.
Comment: In-frame deletion of 1 amino acid in a non-repeat region; In silico analysis supports that this variant does not alter protein structure/function; Has not been previously published as pathogenic or benign to our knowledge

Ambry Genetics
Classification: Likely benign for Hereditary cancer-predisposing syndrome. Last evaluated: 2022-08-09. Review status: criteria provided, single submitter. Criteria: Ambry Variant Classification Scheme 2023. Collection method: clinical testing. Allele origin: germline.

Literature cited by the submitters: PubMed 37500730 (cited by Labcorp Genetics (formerly Invitae), Labcorp).